The following is an entry in ClinVar:

NM_004385.5(VCAN):c.6710C>T (p.Pro2237Leu)

Genes: VCAN (versican; plus strand), VCAN-AS1 (VCAN antisense RNA 1; minus strand). Cytogenetic location: 5q14.3.
Variant type: single nucleotide variant.
Coding change: c.6710C>T on transcript NM_004385.5 (MANE Select); coding-DNA position 6710, C replaced by T.
Protein change: p.Pro2237Leu; replaces proline 2237 with leucine.
Molecular consequence: missense variant. On other transcripts: intron variant (2).
Genome position (GRCh38, 1-based): chr5:83,539,713, C>T. VCF-style: chr5-83539713-C-T. GRCh37 (hg19) VCF-style: chr5-82835532-C-T.
Other names: c.3749C>T, p.Pro1250Leu (NM_001164097.2); c.4004-5824C>T (NM_001164098.2); c.1043-5824C>T (NM_001126336.3); short protein forms P1250L, P2237L.
Identifiers: ClinVar variation 1470131 (VCV001470131.8), dbSNP rs778668390, ClinGen allele CA3333514.

ClinVar aggregate classification (germline): Uncertain significance (1 of 4 stars; one submission).

Allele frequency attached by ClinVar (database versions not stated): gnomAD exomes below 0.00001 and 0.00001; gnomAD 0.00001.
gnomAD v4.1: 14 of 1,613,472 alleles (0.00087%); highest among the groups gnomAD compares: Admixed American, 0.0017%; no homozygotes.

Submission:

Labcorp Genetics (formerly Invitae), Labcorp
Classification: Uncertain significance. Last evaluated: 2025-08-26. Review status: criteria provided, single submitter. Criteria: Invitae Variant Classification Sherloc (09022015). Collection method: clinical testing. Allele origin: germline.
Comment: This sequence change replaces proline, which is neutral and non-polar, with leucine, which is neutral and non-polar, at codon 2237 of the VCAN protein (p.Pro2237Leu). This variant is present in population databases (rs778668390, gnomAD 0.0009%). This missense change has been observed in individual(s) with clinical features of VCAN-related conditions (internal data). ClinVar contains an entry for this variant (Variation ID: 1470131). An algorithm developed to predict the effect of missense changes on protein structure and function outputs the following: PolyPhen-2: "Benign". The leucine amino acid residue is found in multiple mammalian species, which suggests that this missense change does not adversely affect protein function. In summary, the available evidence is currently insufficient to determine the role of this variant in disease. Therefore, it has been classified as a Variant of Uncertain Significance.